The following is an entry in ClinVar:

NM_001048174.2(MUTYH):c.678C>T (p.Ser226=)

Gene: MUTYH (mutY DNA glycosylase; minus strand). Cytogenetic location: 1p34.1.
Variant type: single nucleotide variant.
Coding change: c.678C>T on transcript NM_001048174.2 (MANE Select); coding-DNA position 678, C replaced by T.
Protein change: p.Ser226=; no amino-acid change (serine 226 retained).
Molecular consequence: synonymous variant. On other transcripts: non-coding transcript variant (2).
Genome position (GRCh38, 1-based): chr1:45,332,417, G>A on the plus strand (C>T on the coding strand, the complement: MUTYH is on the minus strand). VCF-style: chr1-45332417-G-A. GRCh37 (hg19) VCF-style: chr1-45798089-G-A.
Other names: c.678C>T, p.Ser226= (NM_001048171.2, NM_001048173.2, NM_001293195.2); c.681C>T, p.Ser227= (NM_001048172.2); c.762C>T, p.Ser254= (NM_001128425.2); c.723C>T, p.Ser241= (NM_001293190.2); c.711C>T, p.Ser237= (NM_001293191.2); c.402C>T, p.Ser134= (NM_001293192.2, NM_001293196.2); c.333C>T, p.Ser111= (NM_001350650.2, NM_001350651.2); c.753C>T, p.Ser251= (NM_012222.3).
Identifiers: ClinVar variation 631328 (VCV000631328.16), dbSNP rs1489418816, ClinGen allele CA417880228.
Genomic context (GRCh38, chr1:45,332,417, plus strand): 5'-CCCCTGAAGCACCCTTGTTACCCCAACATCCTACCAGAGCTGCTGGGAAACAAGGGTGCT[G>A]CTGGGATCAGCACCAATGGCTCGGACACGGCACAGCACCCGTGCTACGTTGCCATCCACC-3'
Protein context (NP_001041639.1, residues 216-236): CRVRAIGADP[Ser226=]STLVSQQLWG

ClinVar aggregate classification (germline): Likely benign. Review status: criteria provided, multiple submitters, no conflicts (2 of 4 stars). 4 submissions from 4 submitters: Likely benign (4). Last evaluated 2024-12-22.

Conditions:
Familial adenomatous polyposis 2. Also called: COLORECTAL ADENOMATOUS POLYPOSIS, AUTOSOMAL RECESSIVE; ADENOMAS, MULTIPLE COLORECTAL, AUTOSOMAL RECESSIVE; MUTYH-associated polyposis; MUTYH-related attenuated familial adenomatous polyposis; MUTYH Polyposis; Adenomas, multiple colorectal. Identifiers: Orphanet 220460, Orphanet 247798, MedGen C3272841, MONDO:0012041, OMIM 608456.
Hereditary cancer-predisposing syndrome. Also called: Neoplastic Syndromes, Hereditary; Hereditary Cancer Syndrome; Tumor predisposition; Hereditary neoplastic syndrome. Identifiers: Orphanet 140162, MedGen C0027672, MeSH D009386, MONDO:0015356.

Allele frequency attached by ClinVar (database versions not stated): gnomAD exomes below 0.00001.

Submissions (4):

Labcorp Genetics (formerly Invitae), Labcorp
Classification: Likely benign for Familial adenomatous polyposis 2. Last evaluated: 2024-12-22. Review status: criteria provided, single submitter. Criteria: Invitae Variant Classification Sherloc (09022015). Collection method: clinical testing. Allele origin: germline.

All of Us Research Program, National Institutes of Health
Classification: Likely benign for Familial adenomatous polyposis 2. Last evaluated: 2023-12-13. Review status: criteria provided, single submitter. Criteria: ACMG Guidelines, 2015. Collection method: clinical testing. Allele origin: germline. Inheritance: Autosomal recessive inheritance. Observed: 1 variant allele, 1 heterozygote.
Comment: This study involves interpretation of variants in research participants for the purpose of population health screening. Participant phenotype was not available at the time of variant classification. Additional details can be found in publication PMID: 35346344, PMCID: PMC8962531

Ambry Genetics
Classification: Likely benign for Hereditary cancer-predisposing syndrome. Last evaluated: 2018-02-28. Review status: criteria provided, single submitter. Criteria: Ambry Variant Classification Scheme 2023. Collection method: clinical testing. Allele origin: germline.

Color Diagnostics, LLC DBA Color Health
Classification: Likely benign for Hereditary cancer-predisposing syndrome. Last evaluated: 2018-02-08. Review status: criteria provided, single submitter. Criteria: ACMG Guidelines, 2015. Collection method: clinical testing. Allele origin: germline.